The following is an entry in ClinVar:

ClinVar aggregate classification (germline): Uncertain significance. Review status: criteria provided, multiple submitters, no conflicts (2 of 4 stars). 2 submissions from 2 submitters: Uncertain significance (2). Last evaluated 2026-08-25.

Conditions:
Tuberous sclerosis 1 (TSC1). Identifiers: Orphanet 805, MedGen C1854465, MONDO:0008612, OMIM 191100.
Hereditary cancer-predisposing syndrome. Also called: Neoplastic Syndromes, Hereditary; Tumor predisposition; Hereditary Cancer Syndrome; Hereditary neoplastic syndrome. Identifiers: Orphanet 140162, MedGen C0027672, MeSH D009386, MONDO:0015356.

Allele frequency attached by ClinVar (database versions not stated): gnomAD exomes below 0.00001.
gnomAD v4.1: 2 of 1,614,172 alleles (0.00012%); highest among the groups gnomAD compares: Non-Finnish European, 0.00017%; no homozygotes.

Submissions (2):

Ambry Genetics
Classification: Uncertain significance for Hereditary cancer-predisposing syndrome. Last evaluated: 2026-08-25. Review status: criteria provided, single submitter. Criteria: Ambry Variant Classification Scheme 2023. Collection method: clinical testing. Allele origin: germline.
Comment: The p.L134V variant (also known as c.400T>G), located in coding exon 4 of the TSC1 gene, results from a T to G substitution at nucleotide position 400. The leucine at codon 134 is replaced by valine, an amino acid with highly similar properties. This amino acid position is conserved. In addition, this alteration is predicted to be deleterious by in silico analysis. Based on the available evidence, the clinical significance of this variant remains unclear.

Labcorp Genetics (formerly Invitae), Labcorp
Classification: Uncertain significance for Tuberous sclerosis 1. Last evaluated: 2024-09-04. Review status: criteria provided, single submitter. Criteria: Invitae Variant Classification Sherloc (09022015). Collection method: clinical testing. Allele origin: germline.
Comment: This sequence change replaces leucine, which is neutral and non-polar, with valine, which is neutral and non-polar, at codon 134 of the TSC1 protein (p.Leu134Val). This variant is not present in population databases (gnomAD no frequency). This variant has not been reported in the literature in individuals affected with TSC1-related conditions. Invitae Evidence Modeling of protein sequence and biophysical properties (such as structural, functional, and spatial information, amino acid conservation, physicochemical variation, residue mobility, and thermodynamic stability) indicates that this missense variant is not expected to disrupt TSC1 protein function with a negative predictive value of 95%. In summary, the available evidence is currently insufficient to determine the role of this variant in disease. Therefore, it has been classified as a Variant of Uncertain Significance.

NM_000368.5(TSC1):c.400T>G (p.Leu134Val)

Gene: TSC1 (TSC complex subunit 1; minus strand). Cytogenetic location: 9q34.13.
Variant type: single nucleotide variant.
Coding change: c.400T>G on transcript NM_000368.5 (MANE Select); coding-DNA position 400, T replaced by G.
Protein change: p.Leu134Val; replaces leucine 134 with valine.
Molecular consequence: missense variant. On other transcripts: 5 prime UTR variant (5), non-coding transcript variant (5).
Genome position (GRCh38, 1-based): chr9:132,923,456, A>C on the plus strand (T>G on the coding strand, the complement: TSC1 is on the minus strand). VCF-style: chr9-132923456-A-C. GRCh37 (hg19) VCF-style: chr9-135798843-A-C.
Other names: c.400T>G, p.Leu134Val (NM_001406609.1, NM_001406600.1, NM_001406601.1 and 16 more transcripts); c.247T>G, p.Leu83Val (NM_001406610.1, NM_001406611.1, NM_001406612.1 and 2 more transcripts); c.37T>G, p.Leu13Val (NM_001406614.1, NM_001406615.1, NM_001406616.1 and 10 more transcripts); c.-478T>G (NM_001406626.1, NM_001406627.1, NM_001406628.1); c.-620T>G (NM_001406629.1); c.-694T>G (NM_001406630.1); short protein forms L134V, L13V, L83V.
Identifiers: ClinVar variation 3231323 (VCV003231323.4), dbSNP rs2539041724, ClinGen allele CA375373618.
Genomic context (GRCh38, chr9:132,923,456, plus strand): 5'-AATCAAGAAGATGCTGTTTCCCAGACTGTGGAATCATTGGTAGCATGGTTATCAACACCA[A>C]GACGCCTGTTGTGAGGACAACGACGTCAGTGTCCATCTGCAGGAGAAAAGGTCAAACAGG-3'
Protein context (NP_000359.1, residues 124-144): TDVVVLTTGV[Leu134Val]VLITMLPMIP